The following is an entry in ClinVar:

NM_003024.3(ITSN1):c.4381C>T (p.Arg1461Cys)

Gene: ITSN1 (intersectin 1; plus strand). Cytogenetic location: 21q22.11.
Variant type: single nucleotide variant.
Coding change: c.4381C>T on transcript NM_003024.3 (MANE Select); coding-DNA position 4381, C replaced by T.
Protein change: p.Arg1461Cys; replaces arginine 1461 with cysteine.
Molecular consequence: missense variant.
Genome position (GRCh38, 1-based): chr21:33,882,282, C>T. VCF-style: chr21-33882282-C-T. GRCh37 (hg19) VCF-style: chr21-35254586-C-T.
Other names: c.4366C>T, p.Arg1456Cys (NM_001331010.2); short protein forms R1456C, R1461C.
Identifiers: ClinVar variation 916563 (VCV000916563.2), dbSNP rs1985063411, ClinGen allele CA410154235.

ClinVar aggregate classification (germline): Uncertain significance. Review status: criteria provided, single submitter (1 of 4 stars). 2 submissions from 2 submitters: Uncertain significance (1). 1 of the submissions does not count toward it. Last evaluated 2022-05-24.

Conditions:
Esophageal atresia/tracheoesophageal fistula. Also called: TRACHEOESOPHAGEAL FISTULA WITH OR WITHOUT ESOPHAGEAL ATRESIA; Tracheoesophageal fistula. Identifiers: Orphanet 1199, MedGen C0040588, MeSH D014138, MONDO:0008586, OMIM 189960, HP:0002575.

Allele frequency attached by ClinVar (database versions not stated): gnomAD exomes below 0.00001; TOPMed below 0.00001.
gnomAD v4.1: 3 of 1,614,140 alleles (0.00019%); highest among the groups gnomAD compares: Admixed American, 0.0017%; no homozygotes.

Submissions (2):

GeneDx
Classification: Uncertain significance. Last evaluated: 2022-05-24. Review status: criteria provided, single submitter. Criteria: GeneDx Variant Classification Process June 2021. Collection method: clinical testing. Allele origin: germline. Affected: yes.
Comment: Identified in a patient with esophageal atresia/tracheoesophageal fistula who also harbored a variant in the WDFY3 gene (Wang et al., 2020); Not observed at significant frequency in large population cohorts (gnomAD); In silico analysis supports that this missense variant has a deleterious effect on protein structure/function; This variant is associated with the following publications: (PMID: 32641753)

Shen Lab, Columbia University Medical Center
Classification: Likely pathogenic for Esophageal atresia/tracheoesophageal fistula. Last evaluated: 2019-07-01. Review status: no assertion criteria provided. Collection method: research. Allele origin: de novo. Affected: yes. Observed: 1 variant allele. Not counted in ClinVar's aggregate classification.

Literature cited by the submitters: PubMed 32641753 (cited by Shen Lab, Columbia University Medical Center).